The following is an entry in ClinVar:

ClinVar aggregate classification (germline): Uncertain significance. Review status: criteria provided, multiple submitters, no conflicts (2 of 4 stars). 2 submissions from 2 submitters: Uncertain significance (2). Last evaluated 2024-04-19.

Conditions:
Catecholaminergic polymorphic ventricular tachycardia 1. Also called: VENTRICULAR TACHYCARDIA, CATECHOLAMINERGIC POLYMORPHIC, 1, WITH OR WITHOUT ATRIAL DYSFUNCTION AND/OR DILATED CARDIOMYOPATHY; RYR2-Related Catecholaminergic Polymorphic Ventricular Tachycardia; VENTRICULAR TACHYCARDIA, STRESS-INDUCED POLYMORPHIC 1. Identifiers: Orphanet 3286, MedGen C1631597, MONDO:0011484, OMIM 604772.
Cardiovascular phenotype. Identifiers: MedGen CN230736.

gnomAD v4.1: 3 of 1,613,978 alleles (0.00019%); highest among the groups gnomAD compares: South Asian, 0.0011%; no homozygotes.

Submissions (2):

Ambry Genetics
Classification: Uncertain significance for Cardiovascular phenotype. Last evaluated: 2024-04-19. Review status: criteria provided, single submitter. Criteria: Ambry Variant Classification Scheme 2023. Collection method: clinical testing. Allele origin: germline.
Comment: The p.S27F variant (also known as c.80C>T), located in coding exon 2 of the TRDN gene, results from a C to T substitution at nucleotide position 80. The serine at codon 27 is replaced by phenylalanine, an amino acid with highly dissimilar properties. This amino acid position is conserved. In addition, this alteration is predicted to be tolerated by in silico analysis. Since supporting evidence is limited at this time, the clinical significance of this alteration remains unclear.

Labcorp Genetics (formerly Invitae), Labcorp
Classification: Uncertain significance for Catecholaminergic polymorphic ventricular tachycardia 1. Last evaluated: 2022-03-08. Review status: criteria provided, single submitter. Criteria: Invitae Variant Classification Sherloc (09022015). Collection method: clinical testing. Allele origin: germline.
Comment: This sequence change replaces serine, which is neutral and polar, with phenylalanine, which is neutral and non-polar, at codon 27 of the TRDN protein (p.Ser27Phe). This variant is present in population databases (rs770488451, gnomAD 0.003%). This variant has not been reported in the literature in individuals affected with TRDN-related conditions. Algorithms developed to predict the effect of missense changes on protein structure and function are either unavailable or do not agree on the potential impact of this missense change (SIFT: "Deleterious"; PolyPhen-2: "Not Available"; Align-GVGD: "Class C0"). In summary, the available evidence is currently insufficient to determine the role of this variant in disease. Therefore, it has been classified as a Variant of Uncertain Significance.

NM_006073.4(TRDN):c.80C>T (p.Ser27Phe)

Gene: TRDN (triadin; minus strand). Cytogenetic location: 6q22.31.
Variant type: single nucleotide variant.
Coding change: c.80C>T on transcript NM_006073.4 (MANE Select); coding-DNA position 80, C replaced by T.
Protein change: p.Ser27Phe; replaces serine 27 with phenylalanine.
Molecular consequence: missense variant.
Genome position (GRCh38, 1-based): chr6:123,571,075, G>A on the plus strand (C>T on the coding strand, the complement: TRDN is on the minus strand). VCF-style: chr6-123571075-G-A. GRCh37 (hg19) VCF-style: chr6-123892220-G-A.
Other names: c.80C>T, p.Ser27Phe (NM_001251987.2, NM_001256020.2, NM_001256021.2 and 1 more transcripts); short protein forms S27F.
Identifiers: ClinVar variation 1426248 (VCV001426248.9), dbSNP rs770488451, ClinGen allele CA3984482.